The following is an entry in ClinVar:

ClinVar aggregate classification (germline): Pathogenic/Likely pathogenic. Review status: criteria provided, multiple submitters, no conflicts (2 of 4 stars). 2 submissions from 2 submitters: Pathogenic (1); Likely pathogenic (1). Last evaluated 2025-05-30.

Conditions:
Muscular dystrophy-dystroglycanopathy (congenital with brain and eye anomalies), type a, 11 (MDDGA11). Also called: Muscular dystrophy-dystroglycanopathy (congenital with brain and eye anomalies, type A, 11; Congenital muscular dystrophy-dystroglycanopathy with brain and eye anomalies, type A11; WALKER-WARBURG SYNDROME OR MUSCLE-EYE-BRAIN DISEASE, B3GALNT2-RELATED. Identifiers: Orphanet 588, Orphanet 899, MedGen C3554638, MONDO:0014071, OMIM 615181.

Allele frequency attached by ClinVar (database versions not stated): gnomAD exomes below 0.00001 and 0.00001; ExAC 0.00001; TOPMed 0.00001; gnomAD 0.00002.
gnomAD v4.1: 11 of 1,614,040 alleles (0.00068%); highest among the groups gnomAD compares: South Asian, 0.0011%; no homozygotes.

Submissions (2):

GeneDx
Classification: Likely pathogenic. Last evaluated: 2025-05-30. Review status: criteria provided, single submitter. Criteria: GeneDx Variant Classification Process June 2021. Collection method: clinical testing. Allele origin: germline. Affected: yes.
Comment: Nonsense variant predicted to result in protein truncation or nonsense mediated decay in a gene for which loss of function is a known mechanism of disease; Not observed at significant frequency in large population cohorts (gnomAD); Has not been previously published as pathogenic or benign to our knowledge

Labcorp Genetics (formerly Invitae), Labcorp
Classification: Pathogenic for Muscular dystrophy-dystroglycanopathy (congenital with brain and eye anomalies), type a, 11. Last evaluated: 2024-12-09. Review status: criteria provided, single submitter. Criteria: Invitae Variant Classification Sherloc (09022015). Collection method: clinical testing. Allele origin: germline.
Comment: This sequence change creates a premature translational stop signal (p.Arg143*) in the B3GALNT2 gene. It is expected to result in an absent or disrupted protein product. Loss-of-function variants in B3GALNT2 are known to be pathogenic (PMID: 23453667). This variant is present in population databases (rs762259872, gnomAD 0.0009%). This variant has not been reported in the literature in individuals affected with B3GALNT2-related conditions. ClinVar contains an entry for this variant (Variation ID: 1352899). For these reasons, this variant has been classified as Pathogenic.

Literature cited by the submitters: PubMed 23453667 (cited by Labcorp Genetics (formerly Invitae), Labcorp).

NM_152490.5(B3GALNT2):c.427C>T (p.Arg143Ter)

Gene: B3GALNT2 (beta-1,3-N-acetylgalactosaminyltransferase 2; minus strand). Cytogenetic location: 1q42.3.
Variant type: single nucleotide variant.
Coding change: c.427C>T on transcript NM_152490.5 (MANE Select); coding-DNA position 427, C replaced by T.
Protein change: p.Arg143Ter; replaces arginine 143 with a stop codon.
Molecular consequence: nonsense.
Genome position (GRCh38, 1-based): chr1:235,484,450, G>A on the plus strand (C>T on the coding strand, the complement: B3GALNT2 is on the minus strand). VCF-style: chr1-235484450-G-A. GRCh37 (hg19) VCF-style: chr1-235647766-G-A.
Other names: c.550C>T, p.Arg184Ter (NM_001277155.3); c.427C>T (NM_152490.2); short protein forms R143*, R184*.
Identifiers: ClinVar variation 1352899 (VCV001352899.7), dbSNP rs762259872, ClinGen allele CA1464910.